The following is an entry in ClinVar:

NM_007254.4(PNKP):c.1316_1317delinsTT (p.Arg439Leu)

Gene: PNKP (polynucleotide kinase 3'-phosphatase; minus strand). Cytogenetic location: 19q13.33.
Variant type: Indel.
Coding change: c.1316_1317delinsTT on transcript NM_007254.4 (MANE Select); coding-DNA positions 1316 to 1317, GA replaced by TT.
Protein change: p.Arg439Leu; replaces arginine 439 with leucine.
Molecular consequence: missense variant.
Genome position (GRCh38, 1-based): chr19:49,861,677-49,861,678, TC replaced by AA on the plus strand (GA replaced by TT on the coding strand, the reverse complement: PNKP is on the minus strand). VCF-style: chr19-49861677-TC-AA. GRCh37 (hg19) VCF-style: chr19-50364934-TC-AA.
Other names: short protein forms R439L.
Identifiers: ClinVar variation 934809 (VCV000934809.10), dbSNP rs2074764098, ClinGen allele CA1139666541.
Genomic context (GRCh38, chr19:49,861,677, plus strand): 5'-GTGGCGCGCCTGCTCCAGAGTGGCGGTGAAGAGGAAGCAGCGGCAGGGGACGCCCGCGGC[TC>AA]GGGCACACTGGACGTACCTGTGGGGGAAGGAGCTGGATGTGCAGGCCCCGCCCACCCCGC-3'
Protein context (NP_009185.2, residues 429-449): ASRARYVQCA[Arg439Leu]AAGVPCRCFL

ClinVar aggregate classification (germline): Uncertain significance (1 of 4 stars; one submission).

Conditions:
Developmental and epileptic encephalopathy, 12 (DEE12). Identifiers: MedGen C3150988, MONDO:0013389, OMIM 613722.

Submission:

Labcorp Genetics (formerly Invitae), Labcorp
Classification: Uncertain significance for Developmental and epileptic encephalopathy, 12. Last evaluated: 2022-08-16. Review status: criteria provided, single submitter. Criteria: Invitae Variant Classification Sherloc (09022015). Collection method: clinical testing. Allele origin: germline.
Comment: Information on the frequency of this variant in the gnomAD database is not available, as this variant may be reported differently in the database. This sequence change replaces arginine, which is basic and polar, with leucine, which is neutral and non-polar, at codon 439 of the PNKP protein (p.Arg439Leu). Algorithms developed to predict the effect of missense changes on protein structure and function are either unavailable or do not agree on the potential impact of this missense change (SIFT: "Not Available"; PolyPhen-2: "Benign"; Align-GVGD: "Not Available"). ClinVar contains an entry for this variant (Variation ID: 934809). This variant has not been reported in the literature in individuals affected with PNKP-related conditions. In summary, the available evidence is currently insufficient to determine the role of this variant in disease. Therefore, it has been classified as a Variant of Uncertain Significance.